The following is an entry in ClinVar:

ClinVar aggregate classification (germline): Uncertain significance (1 of 4 stars; one submission).

Conditions:
Neurofibromatosis, type 1 (NF1). Also called: VON RECKLINGHAUSEN DISEASE; Neurofibromatosis, type I; NEUROFIBROMATOSIS, TYPE I, SOMATIC; Peripheral type neurofibromatosis. Identifiers: Orphanet 636, MedGen C0027831, MONDO:0018975, OMIM 162200. Disease mechanism: loss of function.

Submission:

Labcorp Genetics (formerly Invitae), Labcorp
Classification: Uncertain significance for Neurofibromatosis, type 1. Last evaluated: 2023-05-17. Review status: criteria provided, single submitter. Criteria: Invitae Variant Classification Sherloc (09022015). Collection method: clinical testing. Allele origin: germline.
Comment: In summary, the available evidence is currently insufficient to determine the role of this variant in disease. Therefore, it has been classified as a Variant of Uncertain Significance. Algorithms developed to predict the effect of sequence changes on RNA splicing suggest that this variant is not likely to affect RNA splicing. ClinVar contains an entry for this variant (Variation ID: 1387173). This variant has not been reported in the literature in individuals affected with NF1-related conditions. This variant is not present in population databases (gnomAD no frequency). This sequence change affects codon 1849 of the NF1 mRNA. It is a 'silent' change, meaning that it does not change the encoded amino acid sequence of the NF1 protein. It affects a nucleotide within the consensus splice site.

NM_001042492.3(NF1):c.5608C>A (p.Arg1870=)

Gene: NF1 (neurofibromin 1; plus strand). Cytogenetic location: 17q11.2.
Variant type: single nucleotide variant.
Coding change: c.5608C>A on transcript NM_001042492.3 (MANE Select); coding-DNA position 5608, C replaced by A.
Protein change: p.Arg1870=; no amino-acid change (arginine 1870 retained).
Molecular consequence: synonymous variant.
Genome position (GRCh38, 1-based): chr17:31,327,838, C>A. VCF-style: chr17-31327838-C-A. GRCh37 (hg19) VCF-style: chr17-29654856-C-A.
Other names: c.5545C>A, p.Arg1849= (NM_000267.4).
Identifiers: ClinVar variation 1387173 (VCV001387173.8), dbSNP rs1049849034, ClinGen allele CA499446052.